The following is an entry in ClinVar:

ClinVar aggregate classification (germline): Pathogenic/Likely pathogenic. Review status: criteria provided, multiple submitters, no conflicts (2 of 4 stars). 3 submissions from 3 submitters: Pathogenic (1); Likely pathogenic (2). Last evaluated 2022-12-03.

Conditions:
Retinitis pigmentosa (RP). Identifiers: Orphanet 791, MedGen C0035334, MeSH D012174, MONDO:0019200, OMIM 268000. Inheritance: Autosomal dominant, autosomal recessive and X linked inheritance.
Retinitis pigmentosa 25 (RP25). Identifiers: Orphanet 791, MedGen C1864446, MONDO:0011272, OMIM 602772.

Submissions (3):

Baylor Genetics
Classification: Likely pathogenic for Retinitis pigmentosa 25. Last evaluated: 2022-12-03. Review status: criteria provided, single submitter. Criteria: ACMG Guidelines, 2015. Collection method: clinical testing. Allele origin: unknown.

Labcorp Genetics (formerly Invitae), Labcorp
Classification: Pathogenic. Last evaluated: 2022-04-11. Review status: criteria provided, single submitter. Criteria: Invitae Variant Classification Sherloc (09022015). Collection method: clinical testing. Allele origin: germline.
Comment: This variant is present in population databases (no rsID available, gnomAD 0.002%). For these reasons, this variant has been classified as Pathogenic. This variant disrupts a region of the EYS protein in which other variant(s) (p.Tyr3135*) have been determined to be pathogenic (PMID: 18976725, 30337596). This suggests that this is a clinically significant region of the protein, and that variants that disrupt it are likely to be disease-causing. ClinVar contains an entry for this variant (Variation ID: 973363). This variant has not been reported in the literature in individuals affected with EYS-related conditions. This sequence change creates a premature translational stop signal (p.Asn2855Lysfs*5) in the EYS gene. While this is not anticipated to result in nonsense mediated decay, it is expected to disrupt the last 290 amino acid(s) of the EYS protein.

INSERM U1051, Institut des Neurosciences de Montpellier
Classification: Likely pathogenic for Retinitis pigmentosa. Last evaluated: 2020-06-24. Review status: criteria provided, single submitter. Criteria: ACMG Guidelines, 2015. Collection method: research. Allele origin: inherited. Affected: yes.

Literature cited by the submitters: PubMed 18976725 (cited by Labcorp Genetics (formerly Invitae), Labcorp); PubMed 30337596 (cited by Labcorp Genetics (formerly Invitae), Labcorp).

NM_001142800.2(EYS):c.8565_8568del (p.Asn2855fs)

Genes: EYS (EGF-like photoreceptor maintenance factor; minus strand), PHF3 (PHD finger protein 3; plus strand). Cytogenetic location: 6q12.
Variant type: Deletion.
Coding change: c.8565_8568del on transcript NM_001142800.2 (MANE Select); coding-DNA positions 8565 to 8568, 4 bases deleted (TCAA; older notation c.8565_8568delTCAA).
Protein change: p.Asn2855fs; shifts the reading frame from asparagine 2855.
Molecular consequence: frameshift variant. On other transcripts: 3 prime UTR variant (5).
Genome position (GRCh38, 1-based): chr6:63,721,463-63,721,466, TTGA deleted on the plus strand (TCAA on the coding strand, the reverse complement: EYS is on the minus strand); deleting any 4 consecutive bases within chr6:63,721,463-63,721,468 gives the same sequence; the c. name uses the placement nearest the transcript's 3' end. VCF-style (leftmost placement, unchanged base first): chr6-63721462-CTTGA-C. GRCh37 (hg19) VCF-style: chr6-64431358-CTTGA-C.
Other names: c.*7757_*7760del (NM_001290259.2, NM_001370348.2, NM_001370349.2 and 2 more transcripts); c.8628_8631del, p.Asn2876fs (NM_001292009.2); c.8565_8568delTCAA (NM_001142800.2); short protein forms N2855fs, N2876fs.
Identifiers: ClinVar variation 973363 (VCV000973363.7), dbSNP rs1216993077, ClinGen allele CA568118966.